The following is an entry in ClinVar:

ClinVar aggregate classification (germline): Conflicting classifications of pathogenicity. Review status: criteria provided, conflicting classifications (1 of 4 stars). 3 submissions from 3 submitters: Likely pathogenic (1); Uncertain significance (2). Last evaluated 2025-09-10.

Allele frequency attached by ClinVar (database versions not stated): ExAC 0.00005; gnomAD exomes 0.00007 and 0.00036; gnomAD 0.00011; TOPMed 0.00016.
gnomAD v4.1: 529 of 1,611,764 alleles (0.033%); highest among the groups gnomAD compares: Non-Finnish European, 0.043%; no homozygotes.

Submissions (3):

GeneDx
Classification: Likely pathogenic. Last evaluated: 2025-09-10. Review status: criteria provided, single submitter. Criteria: GeneDx Variant Classification Process June 2021. Collection method: clinical testing. Allele origin: germline. Affected: yes.
Comment: In silico analysis supports that this missense variant has a deleterious effect on protein structure/function; Has not been previously published as pathogenic or benign to our knowledge; This variant is associated with the following publications: (PMID: 34662886)

Labcorp Genetics (formerly Invitae), Labcorp
Classification: Uncertain significance. Last evaluated: 2025-09-02. Review status: criteria provided, single submitter. Criteria: Invitae Variant Classification Sherloc (09022015). Collection method: clinical testing. Allele origin: germline.
Comment: This sequence change replaces glutamic acid, which is acidic and polar, with lysine, which is basic and polar, at codon 892 of the VARS2 protein (p.Glu892Lys). This variant is present in population databases (rs200019717, gnomAD 0.02%). This variant has not been reported in the literature in individuals affected with VARS2-related conditions. ClinVar contains an entry for this variant (Variation ID: 1215330). Invitae Evidence Modeling of protein sequence and biophysical properties (such as structural, functional, and spatial information, amino acid conservation, physicochemical variation, residue mobility, and thermodynamic stability) indicates that this missense variant is expected to disrupt VARS2 protein function with a positive predictive value of 80%. In summary, the available evidence is currently insufficient to determine the role of this variant in disease. Therefore, it has been classified as a Variant of Uncertain Significance.

Women's Health and Genetics/Laboratory Corporation of America, LabCorp
Classification: Uncertain significance. Last evaluated: 2023-09-13. Review status: criteria provided, single submitter. Criteria: LabCorp Variant Classification Summary - May 2015. Collection method: clinical testing. Allele origin: germline.
Comment: Variant summary: VARS2 c.2584G>A (p.Glu862Lys) results in a conservative amino acid change located in the Valyl tRNA synthetase, anticodon-binding domain (IPR033705) of the encoded protein sequence. Three of five in-silico tools predict a damaging effect of the variant on protein function. The variant allele was found at a frequency of 7.4e-05 in 243994 control chromosomes (gnomAD). To our knowledge, no occurrence of c.2584G>A in individuals affected with Combined Oxidative Phosphorylation Defect Type 20 and no experimental evidence demonstrating its impact on protein function have been reported. Two submitters have cited clinical-significance assessments for this variant to ClinVar after 2014. One submitter classified the variant as likely pathogenic, and one submitter classified the variant as uncertain significance. Based on the evidence outlined above, the variant was classified as uncertain significance.

NM_020442.6(VARS2):c.2584G>A (p.Glu862Lys)

Gene: VARS2 (valyl-tRNA synthetase 2, mitochondrial; plus strand). Cytogenetic location: 6p21.33.
Variant type: single nucleotide variant.
Coding change: c.2584G>A on transcript NM_020442.6 (MANE Select); coding-DNA position 2584, G replaced by A.
Protein change: p.Glu862Lys; replaces glutamic acid 862 with lysine.
Molecular consequence: missense variant.
Genome position (GRCh38, 1-based): chr6:30,924,471, G>A. VCF-style: chr6-30924471-G-A. GRCh37 (hg19) VCF-style: chr6-30892248-G-A.
Other names: c.2584G>A (NM_020442.5); c.2164G>A, p.Glu722Lys (NM_001167733.3); c.2674G>A, p.Glu892Lys (NM_001167734.2); short protein forms E722K, E862K, E892K.
Identifiers: ClinVar variation 1215330 (VCV001215330.10), dbSNP rs200019717, ClinGen allele CA3706311.